The following is an entry in ClinVar:

ClinVar aggregate classification (germline): Uncertain significance (1 of 4 stars; one submission).

Submission:

GeneDx
Classification: Uncertain significance. Last evaluated: 2024-11-18. Review status: criteria provided, single submitter. Criteria: GeneDx Variant Classification Process June 2021. Collection method: clinical testing. Allele origin: germline. Affected: yes.
Comment: Not observed at significant frequency in large population cohorts (gnomAD); In silico analysis indicates that this missense variant does not alter protein structure/function; Has not been previously published as pathogenic or benign to our knowledge

NM_020338.4(ZMIZ1):c.130G>A (p.Ala44Thr)

Gene: ZMIZ1 (zinc finger MIZ-type containing 1; plus strand). Cytogenetic location: 10q22.3.
Variant type: single nucleotide variant.
Coding change: c.130G>A on transcript NM_020338.4 (MANE Select); coding-DNA position 130, G replaced by A.
Protein change: p.Ala44Thr; replaces alanine 44 with threonine.
Molecular consequence: missense variant.
Genome position (GRCh38, 1-based): chr10:79,208,405, G>A. VCF-style: chr10-79208405-G-A. GRCh37 (hg19) VCF-style: chr10-80968162-G-A.
Other names: short protein forms A44T.
Identifiers: ClinVar variation 3899799 (VCV003899799.1).
Genomic context (GRCh38, chr10:79,208,405, plus strand): 5'-AATCCTGCCAACTTCCACAATGCCGCCACGGAGCTGCTGGACTGGTGCGGAGACCCACGG[G>A]CCTTCCAGCGGCCCTTCGAGCAGAGCCTGATGGGCTGTTTGACGGTGAGTCTGCACCCTG-3'
Protein context (NP_065071.1, residues 34-54): ELLDWCGDPR[Ala44Thr]FQRPFEQSLM